The following is an entry in ClinVar:

NM_007186.6(CEP250):c.5168G>A (p.Ser1723Asn)

Gene: CEP250 (centrosomal protein 250; plus strand). Cytogenetic location: 20q11.22.
Variant type: single nucleotide variant.
Coding change: c.5168G>A on transcript NM_007186.6 (MANE Select); coding-DNA position 5168, G replaced by A.
Protein change: p.Ser1723Asn; replaces serine 1723 with asparagine.
Molecular consequence: missense variant.
Genome position (GRCh38, 1-based): chr20:35,503,537, G>A. VCF-style: chr20-35503537-G-A. GRCh37 (hg19) VCF-style: chr20-34091365-G-A.
Other names: c.3272G>A, p.Ser1091Asn (NM_001318219.1); short protein forms S1091N, S1723N.
Identifiers: ClinVar variation 1465546 (VCV001465546.8), dbSNP rs2064083389, ClinGen allele CA408750554.

ClinVar aggregate classification (germline): Uncertain significance (1 of 4 stars; one submission).

Submission:

Labcorp Genetics (formerly Invitae), Labcorp
Classification: Uncertain significance. Last evaluated: 2025-07-07. Review status: criteria provided, single submitter. Criteria: Invitae Variant Classification Sherloc (09022015). Collection method: clinical testing. Allele origin: germline.
Comment: This sequence change replaces serine, which is neutral and polar, with asparagine, which is neutral and polar, at codon 1723 of the CEP250 protein (p.Ser1723Asn). This variant is not present in population databases (gnomAD no frequency). This variant has not been reported in the literature in individuals affected with CEP250-related conditions. ClinVar contains an entry for this variant (Variation ID: 1465546). An algorithm developed to predict the effect of missense changes on protein structure and function outputs the following: PolyPhen-2: "Benign". The asparagine amino acid residue is found in multiple mammalian species, which suggests that this missense change does not adversely affect protein function. In summary, the available evidence is currently insufficient to determine the role of this variant in disease. Therefore, it has been classified as a Variant of Uncertain Significance.